The following is an entry in ClinVar:

ClinVar aggregate classification (germline): Uncertain significance (1 of 4 stars; one submission).

Submission:

Labcorp Genetics (formerly Invitae), Labcorp
Classification: Uncertain significance. Last evaluated: 2024-06-14. Review status: criteria provided, single submitter. Criteria: Invitae Variant Classification Sherloc (09022015). Collection method: clinical testing. Allele origin: germline.
Comment: This sequence change falls in intron 17 of the COL4A1 gene. It does not directly change the encoded amino acid sequence of the COL4A1 protein. This variant is not present in population databases (gnomAD no frequency). This variant has not been reported in the literature in individuals affected with COL4A1-related conditions. Algorithms developed to predict the effect of sequence changes on RNA splicing suggest that this variant may disrupt the consensus splice site. In summary, the available evidence is currently insufficient to determine the role of this variant in disease. Therefore, it has been classified as a Variant of Uncertain Significance.

NM_001845.6(COL4A1):c.958-15T>G

Gene: COL4A1 (collagen type IV alpha 1 chain; minus strand). Cytogenetic location: 13q34.
Variant type: single nucleotide variant.
Coding change: c.958-15T>G on transcript NM_001845.6 (MANE Select); 15 bases into the intron before coding-DNA position 958, T replaced by G.
Molecular consequence: intron variant.
Genome position (GRCh38, 1-based): chr13:110,203,622, A>C on the plus strand (T>G on the coding strand, the complement: COL4A1 is on the minus strand). VCF-style: chr13-110203622-A-C. GRCh37 (hg19) VCF-style: chr13-110855969-A-C.
Other names: c.958-15T>G (NM_001303110.2).
Identifiers: ClinVar variation 3654196 (VCV003654196.2).